The following is an entry in ClinVar:

NM_004168.4(SDHA):c.583C>G (p.Arg195Gly)

Gene: SDHA (succinate dehydrogenase complex flavoprotein subunit A; plus strand). Cytogenetic location: 5p15.33.
Variant type: single nucleotide variant.
Coding change: c.583C>G on transcript NM_004168.4 (MANE Select); coding-DNA position 583, C replaced by G.
Protein change: p.Arg195Gly; replaces arginine 195 with glycine.
Molecular consequence: missense variant.
Genome position (GRCh38, 1-based): chr5:226,009, C>G. VCF-style: chr5-226009-C-G. GRCh37 (hg19) VCF-style: chr5-226124-C-G.
Other names: c.439C>G, p.Arg147Gly (NM_001294332.2); c.583C>G, p.Arg195Gly (NM_001330758.2); c.583C>G (NM_004168.2); short protein forms R147G, R195G.
Identifiers: ClinVar variation 1512911 (VCV001512911.9), dbSNP rs1337777456, ClinGen allele CA359010541.

ClinVar aggregate classification (germline): Uncertain significance. Review status: criteria provided, multiple submitters, no conflicts (2 of 4 stars). 2 submissions from 2 submitters: Uncertain significance (2). Last evaluated 2025-05-17.

Conditions:
Mitochondrial complex II deficiency, nuclear type 1. Also called: SUCCINATE CoQ REDUCTASE DEFICIENCY. Identifiers: Orphanet 3208, MedGen C5700310, MONDO:0100294, OMIM 252011.
Pheochromocytoma/paraganglioma syndrome 5. Also called: Paragangliomas 5; SDHA-Related Hereditary Paraganglioma-Pheochromocytoma Syndrome. Identifiers: Orphanet 29072, MedGen C3279992, MONDO:0013602, OMIM 614165.
Hereditary cancer-predisposing syndrome. Also called: Neoplastic Syndromes, Hereditary; Hereditary Cancer Syndrome; Hereditary neoplastic syndrome; Tumor predisposition. Identifiers: Orphanet 140162, MedGen C0027672, MeSH D009386, MONDO:0015356.

Submissions (2):

Ambry Genetics
Classification: Uncertain significance for Hereditary cancer-predisposing syndrome. Last evaluated: 2025-05-17. Review status: criteria provided, single submitter. Criteria: Ambry Variant Classification Scheme 2023. Collection method: clinical testing. Allele origin: germline.
Comment: The p.R195G variant (also known as c.583C>G), located in coding exon 5 of the SDHA gene, results from a C to G substitution at nucleotide position 583. The arginine at codon 195 is replaced by glycine, an amino acid with dissimilar properties. This amino acid position is conserved. In addition, this alteration is predicted to be deleterious by in silico analysis. Based on the available evidence, the clinical significance of this variant remains unclear.

Labcorp Genetics (formerly Invitae), Labcorp
Classification: Uncertain significance for Pheochromocytoma/paraganglioma syndrome 5; Mitochondrial complex II deficiency, nuclear type 1. Last evaluated: 2024-02-14. Review status: criteria provided, single submitter. Criteria: Invitae Variant Classification Sherloc (09022015). Collection method: clinical testing. Allele origin: germline.
Comment: This sequence change replaces arginine, which is basic and polar, with glycine, which is neutral and non-polar, at codon 195 of the SDHA protein (p.Arg195Gly). This variant is not present in population databases (gnomAD no frequency). This variant has not been reported in the literature in individuals affected with SDHA-related conditions. ClinVar contains an entry for this variant (Variation ID: 1512911). Advanced modeling of protein sequence and biophysical properties (such as structural, functional, and spatial information, amino acid conservation, physicochemical variation, residue mobility, and thermodynamic stability) has been performed at Invitae for this missense variant, however the output from this modeling did not meet the statistical confidence thresholds required to predict the impact of this variant on SDHA protein function. In summary, the available evidence is currently insufficient to determine the role of this variant in disease. Therefore, it has been classified as a Variant of Uncertain Significance.